The following is an entry in ClinVar:

NM_003500.4(ACOX2):c.439A>T (p.Ile147Phe)

Gene: ACOX2 (acyl-CoA oxidase 2; minus strand). Cytogenetic location: 3p14.3.
Variant type: single nucleotide variant.
Coding change: c.439A>T on transcript NM_003500.4 (MANE Select); coding-DNA position 439, A replaced by T.
Protein change: p.Ile147Phe; replaces isoleucine 147 with phenylalanine.
Molecular consequence: missense variant.
Genome position (GRCh38, 1-based): chr3:58,534,030, T>A on the plus strand (A>T on the coding strand, the complement: ACOX2 is on the minus strand). VCF-style: chr3-58534030-T-A. GRCh37 (hg19) VCF-style: chr3-58519757-T-A.
Other names: c.439A>T (NM_003500.3); short protein forms I147F.
Identifiers: ClinVar variation 1980579 (VCV001980579.5), dbSNP rs747665703, ClinGen allele CA2472414.

ClinVar aggregate classification (germline): Uncertain significance. Review status: criteria provided, multiple submitters, no conflicts (2 of 4 stars). 2 submissions from 2 submitters: Uncertain significance (2). Last evaluated 2025-11-08.

Allele frequency attached by ClinVar (database versions not stated): gnomAD 0.00001; ExAC 0.00002; TOPMed 0.00005.
gnomAD v4.1: 9 of 1,614,014 alleles (0.00056%); highest among the groups gnomAD compares: Admixed American, 0.0083%; no homozygotes.

Submissions (2):

Ambry Genetics
Classification: Uncertain significance. Last evaluated: 2025-11-08. Review status: criteria provided, single submitter. Criteria: Ambry Variant Classification Scheme 2023. Collection method: clinical testing. Allele origin: germline.

Labcorp Genetics (formerly Invitae), Labcorp
Classification: Uncertain significance. Last evaluated: 2022-09-28. Review status: criteria provided, single submitter. Criteria: Invitae Variant Classification Sherloc (09022015). Collection method: clinical testing. Allele origin: germline.
Comment: In summary, the available evidence is currently insufficient to determine the role of this variant in disease. Therefore, it has been classified as a Variant of Uncertain Significance. Advanced modeling of protein sequence and biophysical properties (such as structural, functional, and spatial information, amino acid conservation, physicochemical variation, residue mobility, and thermodynamic stability) performed at Invitae indicates that this missense variant is not expected to disrupt ACOX2 protein function. This variant has not been reported in the literature in individuals affected with ACOX2-related conditions. This variant is present in population databases (rs747665703, gnomAD 0.01%). This sequence change replaces isoleucine, which is neutral and non-polar, with phenylalanine, which is neutral and non-polar, at codon 147 of the ACOX2 protein (p.Ile147Phe).